The following is an entry in ClinVar:

ClinVar aggregate classification (germline): Uncertain significance (1 of 4 stars; one submission).

Submission:

GeneDx
Classification: Uncertain significance. Last evaluated: 2025-07-23. Review status: criteria provided, single submitter. Criteria: GeneDx Variant Classification Process June 2021. Collection method: clinical testing. Allele origin: germline. Affected: yes.
Comment: Not observed at significant frequency in large population cohorts (gnomAD); In silico analysis suggests that this missense variant does not alter protein structure/function; Has not been previously published as pathogenic or benign to our knowledge

NM_030632.3(ASXL3):c.6545C>T (p.Ser2182Phe)

Gene: ASXL3 (ASXL transcriptional regulator 3; plus strand). Cytogenetic location: 18q12.1.
Variant type: single nucleotide variant.
Coding change: c.6545C>T on transcript NM_030632.3 (MANE Select); coding-DNA position 6545, C replaced by T.
Protein change: p.Ser2182Phe; replaces serine 2182 with phenylalanine.
Molecular consequence: missense variant.
Genome position (GRCh38, 1-based): chr18:33,746,393, C>T. VCF-style: chr18-33746393-C-T. GRCh37 (hg19) VCF-style: chr18-31326357-C-T.
Other names: short protein forms S2182F.
Identifiers: ClinVar variation 4687034 (VCV004687034.1).